The following is an entry in ClinVar:

NM_000180.4(GUCY2D):c.1958G>A (p.Gly653Glu)

Gene: GUCY2D (guanylate cyclase 2D, retinal; plus strand). Cytogenetic location: 17p13.1.
Variant type: single nucleotide variant.
Coding change: c.1958G>A on transcript NM_000180.4 (MANE Select); coding-DNA position 1958, G replaced by A.
Protein change: p.Gly653Glu; replaces glycine 653 with glutamic acid.
Molecular consequence: missense variant.
Genome position (GRCh38, 1-based): chr17:8,012,451, G>A. VCF-style: chr17-8012451-G-A. GRCh37 (hg19) VCF-style: chr17-7915769-G-A.
Other names: short protein forms G653E.
Identifiers: ClinVar variation 1390185 (VCV001390185.8), dbSNP rs139168077, ClinGen allele CA287531141.

ClinVar aggregate classification (germline): Conflicting classifications of pathogenicity. Review status: criteria provided, conflicting classifications (1 of 4 stars). 2 submissions from 2 submitters: Likely pathogenic (1); Uncertain significance (1). Last evaluated 2024-02-19.

Conditions:
Cone-rod dystrophy 6 (CORD6). Also called: Cone dystrophy progressive; RETINAL CONE DYSTROPHY 2. Identifiers: Orphanet 1872, MedGen C1866293, MONDO:0011143, OMIM 601777.
Leber congenital amaurosis 1 (LCA1). Also called: AMAUROSIS CONGENITA OF LEBER I; RETINAL BLINDNESS, CONGENITAL; Congenital absence of the rods and cones; Leber's congenital tapetoretinal degeneration; Leber's congenital tapetoretinal dysplasia. Identifiers: Orphanet 65, MedGen C2931258, MONDO:0008764, OMIM 204000.
GUCY2D-related disorders.

Allele frequency attached by ClinVar (database versions not stated): gnomAD exomes below 0.00001 and 0.00001; gnomAD 0.00001; TOPMed 0.00002; ESP Exome Variant Server 0.00008.
gnomAD v4.1: 12 of 1,613,928 alleles (0.00074%); highest among the groups gnomAD compares: Non-Finnish European, 0.001%; no homozygotes.

Submissions (2):

Labcorp Genetics (formerly Invitae), Labcorp
Classification: Uncertain significance for Leber congenital amaurosis 1; Cone-rod dystrophy 6. Last evaluated: 2024-02-19. Review status: criteria provided, single submitter. Criteria: Invitae Variant Classification Sherloc (09022015). Collection method: clinical testing. Allele origin: germline.
Comment: This sequence change replaces glycine, which is neutral and non-polar, with glutamic acid, which is acidic and polar, at codon 653 of the GUCY2D protein (p.Gly653Glu). This variant is present in population databases (rs139168077, gnomAD 0.0009%). This missense change has been observed in individual(s) with GUCY2D-related conditions (PMID: 31816670). ClinVar contains an entry for this variant (Variation ID: 1390185). An algorithm developed to predict the effect of missense changes on protein structure and function (PolyPhen-2) suggests that this variant is likely to be disruptive. In summary, the available evidence is currently insufficient to determine the role of this variant in disease. Therefore, it has been classified as a Variant of Uncertain Significance.

Blueprint Genetics
Classification: Likely pathogenic for GUCY2D-related disorders. Last evaluated: 2022-04-30. Review status: criteria provided, single submitter. Criteria: ACMG Guidelines, 2015. Collection method: clinical testing. Allele origin: germline. Affected: yes. Observed: 3 variant alleles.

Literature cited by the submitters: PubMed 31816670 (cited by Labcorp Genetics (formerly Invitae), Labcorp).